The following is an entry in ClinVar:

ClinVar aggregate classification (germline): Uncertain significance. Review status: criteria provided, multiple submitters, no conflicts (2 of 4 stars). 3 submissions from 3 submitters: Uncertain significance (3). Last evaluated 2023-09-21.

Allele frequency attached by ClinVar (database versions not stated): gnomAD 0.00001 and 0.00002; gnomAD exomes 0.00002; TOPMed 0.00003.
gnomAD v4.1: 25 of 1,443,690 alleles (0.0017%); highest among the groups gnomAD compares: Non-Finnish European, 0.0021%; no homozygotes.

Submissions (3):

Blueprint Genetics
Classification: Uncertain significance. Last evaluated: 2023-09-21. Review status: criteria provided, single submitter. Criteria: ACMG Guidelines, 2015. Collection method: clinical testing. Allele origin: germline.

GeneDx
Classification: Uncertain significance. Last evaluated: 2023-03-02. Review status: criteria provided, single submitter. Criteria: GeneDx Variant Classification Process June 2021. Collection method: clinical testing. Allele origin: germline. Affected: yes.
Comment: Not observed at significant frequency in large population cohorts (gnomAD); In silico analysis supports that this missense variant has a deleterious effect on protein structure/function; Has not been previously published as pathogenic or benign to our knowledge

Laboratory for Molecular Medicine, Mass General Brigham Personalized Medicine
Classification: Uncertain significance. Last evaluated: 2019-07-15. Review status: criteria provided, single submitter. Criteria: LMM Criteria. Collection method: clinical testing. Allele origin: germline. Observed: 1 variant allele.
Comment: The p.Cys940Arg variant in OTOG has not been previously reported in individuals with hearing loss, but has been identified in 0.006% (1/15420) of European chromosomes by gnomAD. Computational prediction tools and conservation analyses do not provide strong support for or against an impact to the protein. In summary, the clinical significance of this variant is uncertain. ACMG/AMP Criteria applied: PM2.

NM_001292063.2(OTOG):c.2782T>C (p.Cys928Arg)

Gene: OTOG (otogelin; plus strand). Cytogenetic location: 11p15.1.
Variant type: single nucleotide variant.
Coding change: c.2782T>C on transcript NM_001292063.2 (MANE Select); coding-DNA position 2782, T replaced by C.
Protein change: p.Cys928Arg; replaces cysteine 928 with arginine.
Molecular consequence: missense variant.
Genome position (GRCh38, 1-based): chr11:17,586,496, T>C. VCF-style: chr11-17586496-T-C. GRCh37 (hg19) VCF-style: chr11-17608043-T-C.
Other names: c.2818T>C, p.Cys940Arg (NM_001277269.2); c.2818T>C (NM_001277269.1); short protein forms C940R, C928R.
Identifiers: ClinVar variation 930092 (VCV000930092.6), dbSNP rs1011979116, ClinGen allele CA218457482.
Genomic context (GRCh38, chr11:17,586,496, plus strand): 5'-AGTGCTCTCCTGACCGCCTGCTTGCTGTGTCTCTACAGTCTGCTCAGACACGGGGATGCA[T>C]GTTTCCTGCCAGAGGAGTGCCCCTGCACTTGGAAGGGGAAGGAGTATTTCCCTGGGGACC-3'
Protein context (NP_001278992.1, residues 918-938): PQGLLRHGDA[Cys928Arg]FLPEECPCTW